The following is an entry in ClinVar:

ClinVar aggregate classification (germline): Uncertain significance (1 of 4 stars; one submission).

Conditions:
Hereditary pancreatitis (PCTT). Also called: Hereditary chronic pancreatitis; PRSS1-Related Hereditary Pancreatitis. Identifiers: Orphanet 676, MedGen C0238339, MONDO:0008185, OMIM 167800.

gnomAD v4.1: 6 of 1,614,170 alleles (0.00037%); highest among the groups gnomAD compares: Non-Finnish European, 0.00051%; no homozygotes.

Submission:

Ambry Genetics
Classification: Uncertain significance for Hereditary pancreatitis. Last evaluated: 2025-12-03. Review status: criteria provided, single submitter. Criteria: Ambry Variant Classification Scheme 2023. Collection method: clinical testing. Allele origin: germline.
Comment: The p.G61R variant (also known as c.181G>C), located in coding exon 3 of the CTRC gene, results from a G to C substitution at nucleotide position 181. The glycine at codon 61 is replaced by arginine, an amino acid with dissimilar properties. This amino acid position is highly conserved in available vertebrate species. In addition, this alteration is predicted to be deleterious by in silico analysis. Based on the available evidence, the clinical significance of this variant remains unclear.

NM_007272.3(CTRC):c.181G>C (p.Gly61Arg)

Gene: CTRC (chymotrypsin C; plus strand). Cytogenetic location: 1p36.21.
Variant type: single nucleotide variant.
Coding change: c.181G>C on transcript NM_007272.3 (MANE Select); coding-DNA position 181, G replaced by C.
Protein change: p.Gly61Arg; replaces glycine 61 with arginine.
Molecular consequence: missense variant.
Genome position (GRCh38, 1-based): chr1:15,440,541, G>C. VCF-style: chr1-15440541-G-C. GRCh37 (hg19) VCF-style: chr1-15767037-G-C.
Other names: short protein forms G61R.
Identifiers: ClinVar variation 4560095 (VCV004560095.1).
Genomic context (GRCh38, chr1:15,440,541, plus strand): 5'-ACCCTCCTGCAGATCTCCCTCCAGTACCTCAAGAACGACACGTGGAGGCATACGTGTGGC[G>C]GGACTTTGATTGCTAGCAACTTCGTCCTCACTGCCGCCCACTGCATCAGGTGTGCGGGGA-3'
Protein context (NP_009203.2, residues 51-71): KNDTWRHTCG[Gly61Arg]TLIASNFVLT